The following is an entry in ClinVar:

ClinVar aggregate classification (germline): Uncertain significance (1 of 4 stars; one submission).

Submission:

GeneDx
Classification: Uncertain significance. Last evaluated: 2025-03-05. Review status: criteria provided, single submitter. Criteria: GeneDx Variant Classification Process June 2021. Collection method: clinical testing. Allele origin: germline.
Comment: Not observed at significant frequency in large population cohorts (gnomAD); In silico analysis supports that this missense variant has a deleterious effect on protein structure/function; Has not been previously published as pathogenic or benign to our knowledge

NM_138383.3(MTSS2):c.1574A>C (p.Gln525Pro)

Gene: MTSS2 (MTSS I-BAR domain containing 2; minus strand). Cytogenetic location: 16q22.1.
Variant type: single nucleotide variant.
Coding change: c.1574A>C on transcript NM_138383.3 (MANE Select); coding-DNA position 1574, A replaced by C.
Protein change: p.Gln525Pro; replaces glutamine 525 with proline.
Molecular consequence: missense variant.
Genome position (GRCh38, 1-based): chr16:70,664,347, T>G on the plus strand (A>C on the coding strand, the complement: MTSS2 is on the minus strand). VCF-style: chr16-70664347-T-G. GRCh37 (hg19) VCF-style: chr16-70698250-T-G.
Other names: short protein forms Q525P.
Identifiers: ClinVar variation 2580838 (VCV002580838.2), dbSNP rs2507182481, ClinGen allele CA396597368.